The following is an entry in ClinVar:

NM_000051.4(ATM):c.6146dup (p.Tyr2049Ter)

Genes: ATM (ATM serine/threonine kinase; plus strand), C11orf65 (chromosome 11 open reading frame 65; minus strand). Cytogenetic location: 11q22.3.
Variant type: Duplication.
Coding change: c.6146dup on transcript NM_000051.4 (MANE Select); coding-DNA position 6146, one base duplicated (A; older notation c.6146dupA).
Protein change: p.Tyr2049Ter; replaces tyrosine 2049 with a stop codon.
Molecular consequence: nonsense. On other transcripts: intron variant (2).
Genome position (GRCh38, 1-based): chr11:108,316,061, A duplicated. VCF-style (leftmost placement, unchanged base first): chr11-108316060-T-TA. GRCh37 (hg19) VCF-style: chr11-108186787-T-TA.
Other names: c.6146dup, p.Tyr2049Ter (NM_001351834.2); c.641-6990dup (NM_001330368.2); c.*39-6990dup (NM_001351110.2); short protein forms Y2049*.
Identifiers: ClinVar variation 947495 (VCV000947495.11), dbSNP rs2084619584, ClinGen allele CA1139662240.

ClinVar aggregate classification (germline): Pathogenic (1 of 4 stars; one submission).

Conditions:
Ataxia-telangiectasia syndrome (AT). Also called: Ataxia-telangiectasia, complementation group D; AT, COMPLEMENTATION GROUP C; ATAXIA-TELANGIECTASIA, COMPLEMENTATION GROUP A; ATAXIA-TELANGIECTASIA, FRESNO VARIANT; Ataxia-telangiectasia; Ataxia telangiectasia (A-T). Identifiers: Orphanet 100, MedGen C0004135, MONDO:0008840, OMIM 208900.

Submission:

Labcorp Genetics (formerly Invitae), Labcorp
Classification: Pathogenic for Ataxia-telangiectasia syndrome. Last evaluated: 2019-06-12. Review status: criteria provided, single submitter. Criteria: Invitae Variant Classification Sherloc (09022015). Collection method: clinical testing. Allele origin: germline.
Comment: For these reasons, this variant has been classified as Pathogenic. Loss-of-function variants in ATM are known to be pathogenic (PMID: 23807571, 25614872). This variant has not been reported in the literature in individuals with ATM-related conditions. However, a different variant (c.6146_6147del) giving rise to the same protein effect observed here (p.Tyr2049*) has been observed in an individual affected with breast and/or ovarian cancer (PMID: 29470806). This variant is not present in population databases (ExAC no frequency). This sequence change creates a premature translational stop signal (p.Tyr2049*) in the ATM gene. It is expected to result in an absent or disrupted protein product.

Literature cited by the submitters: PubMed 23807571; PubMed 25614872; PubMed 29470806.